The following is an entry in ClinVar:

NM_001354768.3(NRL):c.17G>T (p.Ser6Ile)

Gene: NRL (neural retina leucine zipper; minus strand). Cytogenetic location: 14q11.2.
Variant type: single nucleotide variant.
Coding change: c.17G>T on transcript NM_001354768.3 (MANE Select); coding-DNA position 17, G replaced by T.
Protein change: p.Ser6Ile; replaces serine 6 with isoleucine.
Molecular consequence: missense variant.
Genome position (GRCh38, 1-based): chr14:24,082,832, C>A on the plus strand (G>T on the coding strand, the complement: NRL is on the minus strand). VCF-style: chr14-24082832-C-A. GRCh37 (hg19) VCF-style: chr14-24552041-C-A.
Other names: c.17G>T, p.Ser6Ile (NM_001354769.1, NM_001354770.2, NM_006177.5); short protein forms S6I.
Identifiers: ClinVar variation 1719606 (VCV001719606.5), dbSNP rs1465608437, ClinGen allele CA389283145.
Genomic context (GRCh38, chr14:24,082,832, plus strand): 5'-TCCCGCTTTACCTCAAACTTCATCAAGTCAAAGTCATTGACATATTCCATGGCCAGGGGG[C>A]TGGGGGGCAGGGCCATTCTGGAGCTGGGCTGGGAGGAGTGCACCTGCAAAGAGGAGGAGA-3'
Protein context (NP_001341697.1, residues 1-16): MALPP[Ser6Ile]PLAMEYVNDF

ClinVar aggregate classification (germline): Uncertain significance (1 of 4 stars; one submission).

gnomAD v4.1: 1 of 1,613,060 alleles (0.000062%); highest among the groups gnomAD compares: Non-Finnish European, 0.000085%; no homozygotes.

Submission:

Labcorp Genetics (formerly Invitae), Labcorp
Classification: Uncertain significance. Last evaluated: 2022-09-16. Review status: criteria provided, single submitter. Criteria: Invitae Variant Classification Sherloc (09022015). Collection method: clinical testing. Allele origin: germline.
Comment: In summary, the available evidence is currently insufficient to determine the role of this variant in disease. Therefore, it has been classified as a Variant of Uncertain Significance. Algorithms developed to predict the effect of missense changes on protein structure and function are either unavailable or do not agree on the potential impact of this missense change (SIFT: "Deleterious"; PolyPhen-2: "Probably Damaging"; Align-GVGD: "Class C15"). This variant has not been reported in the literature in individuals affected with NRL-related conditions. This variant is not present in population databases (gnomAD no frequency). This sequence change replaces serine, which is neutral and polar, with isoleucine, which is neutral and non-polar, at codon 6 of the NRL protein (p.Ser6Ile).